The following is an entry in ClinVar:

NM_000038.6(APC):c.3209A>G (p.Asn1070Ser)

Gene: APC (APC regulator of Wnt signaling pathway; plus strand). Cytogenetic location: 5q22.2.
Variant type: single nucleotide variant.
Coding change: c.3209A>G on transcript NM_000038.6 (MANE Select); coding-DNA position 3209, A replaced by G.
Protein change: p.Asn1070Ser; replaces asparagine 1070 with serine.
Molecular consequence: missense variant.
Genome position (GRCh38, 1-based): chr5:112,838,803, A>G. VCF-style: chr5-112838803-A-G. GRCh37 (hg19) VCF-style: chr5-112174500-A-G.
Other names: c.3209A>G, p.Asn1070Ser (NM_001127510.3, NM_001354895.2, NM_001407450.1); c.3155A>G, p.Asn1052Ser (NM_001127511.3); c.3263A>G, p.Asn1088Ser (NM_001354896.2, NM_001407447.1, NM_001407448.1 and 1 more transcripts); c.3239A>G, p.Asn1080Ser (NM_001354897.2); c.3134A>G, p.Asn1045Ser (NM_001354898.2); c.3125A>G, p.Asn1042Ser (NM_001354899.2); c.3086A>G, p.Asn1029Ser (NM_001354900.2); c.3032A>G, p.Asn1011Ser (NM_001354901.2, NM_001407453.1); and 11 more; short protein forms N1029S, N1045S, N1052S, N1060S, N686S, N787S, N987S, N1011S.
Identifiers: ClinVar variation 2163412 (VCV002163412.4), dbSNP rs1315959337, ClinGen allele CA16028373.

ClinVar aggregate classification (germline): Uncertain significance (1 of 4 stars; one submission).

Conditions:
Familial adenomatous polyposis 1 (FAP1). Also called: POLYPOSIS, ADENOMATOUS INTESTINAL; FAMILIAL ADENOMATOUS POLYPOSIS 1, ATTENUATED. Identifiers: MedGen C2713442, MONDO:0021056, OMIM 175100. Disease mechanism: loss of function.

Submission:

Labcorp Genetics (formerly Invitae), Labcorp
Classification: Uncertain significance for Familial adenomatous polyposis 1. Last evaluated: 2022-09-29. Review status: criteria provided, single submitter. Criteria: Invitae Variant Classification Sherloc (09022015). Collection method: clinical testing. Allele origin: germline.
Comment: In summary, the available evidence is currently insufficient to determine the role of this variant in disease. Therefore, it has been classified as a Variant of Uncertain Significance. Advanced modeling of protein sequence and biophysical properties (such as structural, functional, and spatial information, amino acid conservation, physicochemical variation, residue mobility, and thermodynamic stability) performed at Invitae indicates that this missense variant is not expected to disrupt APC protein function. This variant has not been reported in the literature in individuals affected with APC-related conditions. This variant is not present in population databases (gnomAD no frequency). This sequence change replaces asparagine, which is neutral and polar, with serine, which is neutral and polar, at codon 1070 of the APC protein (p.Asn1070Ser).